The following is an entry in ClinVar:

NM_001130987.2(DYSF):c.5871del (p.Phe1957fs)

Gene: DYSF (dysferlin; plus strand). Cytogenetic location: 2p13.2.
Variant type: Deletion.
Coding change: c.5871del on transcript NM_001130987.2 (MANE Select); coding-DNA position 5871, one base deleted (T; older notation c.5871delT).
Protein change: p.Phe1957fs; shifts the reading frame from phenylalanine 1957.
Molecular consequence: frameshift variant.
Genome position (GRCh38, 1-based): chr2:71,674,283, T deleted; the last of 3 consecutive T bases (chr2:71,674,281-71,674,283); deleting any one gives the same sequence. VCF-style (leftmost placement, unchanged base first): chr2-71674280-CT-C. GRCh37 (hg19) VCF-style: chr2-71901410-CT-C.
Other names: c.5757del, p.Phe1919fs (NM_001130455.2); c.5712del, p.Phe1904fs (NM_001130976.2); c.5775del, p.Phe1925fs (NM_001130977.2); c.5817del, p.Phe1939fs (NM_001130978.2); c.5847del, p.Phe1949fs (NM_001130979.2); c.5805del, p.Phe1935fs (NM_001130980.2); c.5868del, p.Phe1956fs (NM_001130981.2); c.5850del, p.Phe1950fs (NM_001130982.2); and 5 more; short protein forms F1918fs, F1939fs, F1904fs, F1925fs, F1940fs, F1949fs, F1950fs, F1905fs.
Identifiers: ClinVar variation 2816143 (VCV002816143.3), dbSNP rs2546606668, ClinGen allele CA2739271057.

ClinVar aggregate classification (germline): Pathogenic (1 of 4 stars; one submission).

Conditions:
Neuromuscular disease caused by qualitative or quantitative defects of dysferlin. Also called: Dysferlinopathy; Qualitative or quantitative defects of dysferlin. Identifiers: Orphanet 207073, MedGen C2931687, MONDO:0016145.

Submission:

Labcorp Genetics (formerly Invitae), Labcorp
Classification: Pathogenic for Neuromuscular disease caused by qualitative or quantitative defects of dysferlin. Last evaluated: 2022-11-23. Review status: criteria provided, single submitter. Criteria: Invitae Variant Classification Sherloc (09022015). Collection method: clinical testing. Allele origin: germline.
Comment: This sequence change creates a premature translational stop signal (p.Phe1918Leufs*48) in the DYSF gene. It is expected to result in an absent or disrupted protein product. Loss-of-function variants in DYSF are known to be pathogenic (PMID: 17698709, 20301480). This variant is not present in population databases (gnomAD no frequency). This variant has not been reported in the literature in individuals affected with DYSF-related conditions. For these reasons, this variant has been classified as Pathogenic.

Literature cited by the submitters: PubMed 17698709; PubMed 20301480.